The following is an entry in ClinVar:

ClinVar aggregate classification (germline): Uncertain significance (1 of 4 stars; one submission).

Submission:

Laboratory for Molecular Medicine, Mass General Brigham Personalized Medicine
Classification: Uncertain significance. Last evaluated: 2013-05-15. Review status: criteria provided, single submitter. Criteria: LMM Criteria. Collection method: clinical testing. Allele origin: germline. Observed: 1 variant allele.
Comment: The Lys74Thr variant in MYO1A has not been reported in individuals affected with hearing loss or in large population studies. Computational analyses (biochemica l amino acid properties, conservation, AlignGVGD, PolyPhen2, and SIFT) do not pr ovide strong support for or against an impact to the protein. In summary, additi onal data is needed to determine the clinical significance of this variant.

NM_005379.4(MYO1A):c.221A>C (p.Lys74Thr)

Genes: MYO1A (myosin IA; minus strand), LOC126861538 (BRD4-independent group 4 enhancer GRCh37_chr12:57440635-57441834; plus strand). Cytogenetic location: 12q13.3.
Variant type: single nucleotide variant.
Coding change: c.221A>C on transcript NM_005379.4 (MANE Select); coding-DNA position 221, A replaced by C.
Protein change: p.Lys74Thr; replaces lysine 74 with threonine.
Molecular consequence: missense variant.
Genome position (GRCh38, 1-based): chr12:57,047,998, T>G on the plus strand (A>C on the coding strand, the complement: MYO1A is on the minus strand). VCF-style: chr12-57047998-T-G. GRCh37 (hg19) VCF-style: chr12-57441782-T-G.
Other names: c.221A>C, p.Lys74Thr (NM_001256041.2); short protein forms K74T.
Identifiers: ClinVar variation 164600 (VCV000164600.4), dbSNP rs727503323, ClinGen allele CA177325.